The following is an entry in ClinVar:

ClinVar aggregate classification (germline): Likely benign. Review status: criteria provided, multiple submitters, no conflicts (2 of 4 stars). 2 submissions from 2 submitters: Likely benign (2). Last evaluated 2025-08-30.

Conditions:
Hereditary cancer-predisposing syndrome. Also called: Hereditary Cancer Syndrome; Neoplastic Syndromes, Hereditary; Tumor predisposition; Hereditary neoplastic syndrome. Identifiers: Orphanet 140162, MedGen C0027672, MeSH D009386, MONDO:0015356.

Submissions (2):

Ambry Genetics
Classification: Likely benign for Hereditary cancer-predisposing syndrome. Last evaluated: 2025-08-30. Review status: criteria provided, single submitter. Criteria: Ambry Variant Classification Scheme 2023. Collection method: clinical testing. Allele origin: germline.

CeGaT Center for Human Genetics Tuebingen
Classification: Likely benign. Last evaluated: 2025-08-01. Review status: criteria provided, single submitter. Criteria: CeGaT Center For Human Genetics Tuebingen Variant Classification Criteria Version 2. Collection method: clinical testing. Allele origin: germline. Affected: yes. Observed: 1 variant allele.
Comment: SUFU: PM2:Supporting, BP4, BP7

NM_016169.4(SUFU):c.582A>G (p.Val194=)

Gene: SUFU (SUFU negative regulator of hedgehog signaling; plus strand). Cytogenetic location: 10q24.32.
Variant type: single nucleotide variant.
Coding change: c.582A>G on transcript NM_016169.4 (MANE Select); coding-DNA position 582, A replaced by G.
Protein change: p.Val194=; no amino-acid change (valine 194 retained).
Molecular consequence: synonymous variant.
Genome position (GRCh38, 1-based): chr10:102,592,709, A>G. VCF-style: chr10-102592709-A-G. GRCh37 (hg19) VCF-style: chr10-104352466-A-G.
Other names: c.582A>G, p.Val194= (NM_001178133.2).
Identifiers: ClinVar variation 4085736 (VCV004085736.9).